The following is an entry in ClinVar:

ClinVar aggregate classification (germline): Benign/Likely benign. Review status: criteria provided, multiple submitters, no conflicts (2 of 4 stars). 4 submissions from 4 submitters: Benign (3); Likely benign (1). Last evaluated 2026-01-01.

Conditions:
Familial sleep-related hypermotor epilepsy. Also called: Autosomal Dominant Sleep-Related Hypermotor (Hyperkinetic) Epilepsy. Identifiers: Orphanet 98784, MedGen C3696898, MONDO:0000030.
Inborn genetic diseases. Identifiers: MedGen C0950123, MeSH D030342.
Autosomal dominant nocturnal frontal lobe epilepsy 1. Also called: CHRNA4-Related Nocturnal Frontal Lobe Epilepsy, Autosomal Dominant; EPILEPSY, NOCTURNAL FRONTAL LOBE, TYPE 1. Identifiers: Orphanet 98784, MedGen C1838049, MONDO:0010899, OMIM 600513.

Allele frequency attached by ClinVar (database versions not stated): ESP Exome Variant Server 0.00008; gnomAD 0.00021; TOPMed 0.00023; ExAC 0.00027; gnomAD exomes 0.00033.
gnomAD v4.1: 288 of 1,593,264 alleles (0.018%); highest among the groups gnomAD compares: Middle Eastern, 0.05%; no homozygotes.

Submissions (4):

CeGaT Center for Human Genetics Tuebingen
Classification: Likely benign. Last evaluated: 2026-01-01. Review status: criteria provided, single submitter. Criteria: CeGaT Center For Human Genetics Tuebingen Variant Classification Criteria Version 2. Collection method: clinical testing. Allele origin: germline. Affected: yes. Observed: 2 variant alleles.
Comment: CHRNA4: BP4

Labcorp Genetics (formerly Invitae), Labcorp
Classification: Benign. Last evaluated: 2025-06-12. Review status: criteria provided, single submitter. Criteria: Invitae Variant Classification Sherloc (09022015). Collection method: clinical testing. Allele origin: germline.

GeneDx
Classification: Benign. Last evaluated: 2020-01-22. Review status: criteria provided, single submitter. Criteria: GeneDx Variant Classification Process June 2021. Collection method: clinical testing. Allele origin: germline. Affected: yes.

Ambry Genetics
Classification: Benign for Inborn genetic diseases. Last evaluated: 2019-12-03. Review status: criteria provided, single submitter. Criteria: Ambry Variant Classification Scheme 2023. Collection method: clinical testing. Allele origin: germline.

NM_000744.7(CHRNA4):c.296G>A (p.Arg99His)

Genes: CHRNA4 (cholinergic receptor nicotinic alpha 4 subunit; minus strand), LOC126863087 (P300/CBP strongly-dependent group 1 enhancer GRCh37_chr20:61986832-61988031; plus strand). Cytogenetic location: 20q13.33.
Variant type: single nucleotide variant.
Coding change: c.296G>A on transcript NM_000744.7 (MANE Select); coding-DNA position 296, G replaced by A.
Protein change: p.Arg99His; replaces arginine 99 with histidine.
Molecular consequence: missense variant. On other transcripts: 5 prime UTR variant (1), non-coding transcript variant (1).
Genome position (GRCh38, 1-based): chr20:63,356,062, C>T on the plus strand (G>A on the coding strand, the complement: CHRNA4 is on the minus strand). VCF-style: chr20-63356062-C-T. GRCh37 (hg19) VCF-style: chr20-61987414-C-T.
Other names: p.R99H:CGC>CAC; c.-251G>A (NM_001256573.2); short protein forms R99H.
Identifiers: ClinVar variation 205045 (VCV000205045.57), dbSNP rs143103435, ClinGen allele CA313609.